The following is an entry in ClinVar:

NM_004369.4(COL6A3):c.5632_5633delinsCC (p.Ser1878Pro)

Gene: COL6A3 (collagen type VI alpha 3 chain; minus strand). Cytogenetic location: 2q37.3.
Variant type: Indel.
Coding change: c.5632_5633delinsCC on transcript NM_004369.4 (MANE Select); coding-DNA positions 5632 to 5633, AG replaced by CC.
Protein change: p.Ser1878Pro; replaces serine 1878 with proline.
Molecular consequence: missense variant.
Genome position (GRCh38, 1-based): chr2:237,365,903-237,365,904, CT replaced by GG on the plus strand (AG replaced by CC on the coding strand, the reverse complement: COL6A3 is on the minus strand). VCF-style: chr2-237365903-CT-GG. GRCh37 (hg19) VCF-style: chr2-238274546-CT-GG.
Other names: c.3811_3812delinsCC, p.Ser1271Pro (NM_057166.5); c.5014_5015delinsCC, p.Ser1672Pro (NM_057167.4); short protein forms S1878P, S1271P, S1672P.
Identifiers: ClinVar variation 595427 (VCV000595427.12), dbSNP rs1559234936, ClinGen allele CA913190034.

ClinVar aggregate classification (germline): Uncertain significance. Review status: criteria provided, multiple submitters, no conflicts (2 of 4 stars). 2 submissions from 2 submitters: Uncertain significance (2). Last evaluated 2023-08-29.

Conditions:
Bethlem myopathy 1A. Also called: Bethlem myopathy 1; MYOPATHY, BENIGN CONGENITAL, WITH CONTRACTURES; Bethlem Muscular Dystrophy. Identifiers: Orphanet 610, MedGen CN029274, MONDO:0024530, OMIM 158810.

Submissions (2):

Labcorp Genetics (formerly Invitae), Labcorp
Classification: Uncertain significance for Bethlem myopathy 1A. Last evaluated: 2023-08-29. Review status: criteria provided, single submitter. Criteria: Invitae Variant Classification Sherloc (09022015). Collection method: clinical testing. Allele origin: germline.
Comment: In summary, the available evidence is currently insufficient to determine the role of this variant in disease. Therefore, it has been classified as a Variant of Uncertain Significance. An algorithm developed to predict the effect of missense changes on protein structure and function (PolyPhen-2) suggests that this variant is likely to be tolerated. ClinVar contains an entry for this variant (Variation ID: 595427). This variant has not been reported in the literature in individuals affected with COL6A3-related conditions. This variant is present in population databases (no rsID available, gnomAD 0.002%). This sequence change replaces serine, which is neutral and polar, with proline, which is neutral and non-polar, at codon 1878 of the COL6A3 protein (p.Ser1878Pro).

Eurofins Ntd Llc (ga)
Classification: Uncertain significance. Last evaluated: 2017-12-14. Review status: criteria provided, single submitter. Criteria: EGL Classification Definitions 2015. Collection method: clinical testing. Allele origin: germline. Observed: 1 variant allele, 1 heterozygote.